The following is an entry in ClinVar:

ClinVar aggregate classification (germline): Pathogenic (1 of 4 stars; one submission).

Submission:

Ambry Genetics
Classification: Pathogenic. Last evaluated: 2025-11-21. Review status: criteria provided, single submitter. Criteria: Ambry Variant Classification Scheme 2023. Collection method: clinical testing. Allele origin: germline.
Comment: The c.1285C>T (p.Q429*) alteration, located in coding exon 11 of the GIGYF1 gene, consists of a C to T substitution at nucleotide position 1285. This changes the amino acid from a glutamine (Q) to a stop codon at amino acid position 429. This alteration is expected to result in loss of function by premature protein truncation or nonsense-mediated mRNA decay. This variant was not reported in population-based cohorts in the Genome Aggregation Database (gnomAD). Based on the available evidence, this alteration is classified as pathogenic.

NM_022574.4:c.1285C>T

Gene: GIGYF1 (GRB10 interacting GYF protein 1; minus strand).
Variant type: single nucleotide variant.
Identifiers: ClinVar variation 4671836 (VCV004671836.1).